The following is an entry in ClinVar:

ClinVar aggregate classification (germline): Uncertain significance (1 of 4 stars; one submission).

Conditions:
Inborn genetic diseases. Identifiers: MedGen C0950123, MeSH D030342.

gnomAD v4.1: 1 of 1,611,978 alleles (0.000062%); highest among the groups gnomAD compares: Non-Finnish European, 0.000085%; no homozygotes.

Submission:

Ambry Genetics
Classification: Uncertain significance for Inborn genetic diseases. Last evaluated: 2025-05-11. Review status: criteria provided, single submitter. Criteria: Ambry Variant Classification Scheme 2023. Collection method: clinical testing. Allele origin: germline.
Comment: The p.S678T variant (also known as c.2032T>A), located in coding exon 23 of the RTEL1 gene, results from a T to A substitution at nucleotide position 2032. The serine at codon 678 is replaced by threonine, an amino acid with similar properties. This amino acid position is conserved. In addition, the in silico prediction for this alteration is inconclusive. Based on the available evidence, the clinical significance of this variant remains unclear.

NM_001283009.2(RTEL1):c.2032T>A (p.Ser678Thr)

Genes: RTEL1 (regulator of telomere elongation helicase 1; plus strand), RTEL1-TNFRSF6B (RTEL1-TNFRSF6B readthrough (NMD candidate); plus strand). Cytogenetic location: 20q13.33.
Variant type: single nucleotide variant.
Coding change: c.2032T>A on transcript NM_001283009.2 (MANE Select); coding-DNA position 2032, T replaced by A.
Protein change: p.Ser678Thr; replaces serine 678 with threonine.
Molecular consequence: missense variant. On other transcripts: non-coding transcript variant (1).
Genome position (GRCh38, 1-based): chr20:63,689,756, T>A. VCF-style: chr20-63689756-T-A. GRCh37 (hg19) VCF-style: chr20-62321109-T-A.
Other names: c.1363T>A, p.Ser455Thr (NM_001283010.1); c.2032T>A, p.Ser678Thr (NM_016434.4); c.2104T>A, p.Ser702Thr (NM_032957.5); short protein forms S678T, S702T, S455T.
Identifiers: ClinVar variation 3948388 (VCV003948388.1).